The following is an entry in ClinVar:

NM_000051.4(ATM):c.7225G>A (p.Glu2409Lys)

Genes: ATM (ATM serine/threonine kinase; plus strand), C11orf65 (chromosome 11 open reading frame 65; minus strand). Cytogenetic location: 11q22.3.
Variant type: single nucleotide variant.
Coding change: c.7225G>A on transcript NM_000051.4 (MANE Select); coding-DNA position 7225, G replaced by A.
Protein change: p.Glu2409Lys; replaces glutamic acid 2409 with lysine.
Molecular consequence: missense variant. On other transcripts: intron variant (2).
Genome position (GRCh38, 1-based): chr11:108,329,156, G>A. VCF-style: chr11-108329156-G-A. GRCh37 (hg19) VCF-style: chr11-108199883-G-A.
Other names: c.7225G>A, p.Glu2409Lys (NM_001351834.2); c.641-20085C>T (NM_001330368.2); c.*38+6064C>T (NM_001351110.2); short protein forms E2409K.
Identifiers: ClinVar variation 4170241 (VCV004170241.1).

ClinVar aggregate classification (germline): Uncertain significance (1 of 4 stars; one submission).

Conditions:
Hereditary cancer-predisposing syndrome. Also called: Neoplastic Syndromes, Hereditary; Tumor predisposition; Hereditary neoplastic syndrome; Hereditary Cancer Syndrome. Identifiers: Orphanet 140162, MedGen C0027672, MeSH D009386, MONDO:0015356.

Submission:

Ambry Genetics
Classification: Uncertain significance for Hereditary cancer-predisposing syndrome. Last evaluated: 2025-09-12. Review status: criteria provided, single submitter. Criteria: Ambry Variant Classification Scheme 2023. Collection method: clinical testing. Allele origin: germline.
Comment: The p.E2409K variant (also known as c.7225G>A), located in coding exon 48 of the ATM gene, results from a G to A substitution at nucleotide position 7225. The glutamic acid at codon 2409 is replaced by lysine, an amino acid with similar properties. This amino acid position is highly conserved in available vertebrate species. In addition, this alteration is predicted to be deleterious by in silico analysis. Based on the available evidence, the clinical significance of this variant remains unclear.